The following is an entry in ClinVar:

ClinVar aggregate classification (germline): Benign/Likely benign. Review status: criteria provided, multiple submitters, no conflicts (2 of 4 stars). 10 submissions from 10 submitters: Benign (5); Likely benign (3). 2 of the submissions do not count toward it. Last evaluated 2026-02-01.

Conditions:
Autosomal recessive ataxia due to ubiquinone deficiency. Also called: Coenzyme Q10 deficiency, primary, 4; SPINOCEREBELLAR ATAXIA, AUTOSOMAL RECESSIVE 9. Identifiers: Orphanet 139485, MedGen C2677589, MONDO:0012784, OMIM 612016.

Allele frequency attached by ClinVar (database versions not stated): 1000 Genomes Project 0.00419; 1000 Genomes Project 30x 0.00437; TOPMed 0.01035; gnomAD 0.01086 and 0.01103; gnomAD exomes 0.01106 and 0.01689; ESP Exome Variant Server 0.01297; ExAC 0.01908.
gnomAD v4.1: 25,805 of 1,593,730 alleles (1.6%); highest among the groups gnomAD compares: Non-Finnish European, 2%; 250 homozygotes.

Submissions (10):

Labcorp Genetics (formerly Invitae), Labcorp
Classification: Benign. Last evaluated: 2026-02-01. Review status: criteria provided, single submitter. Criteria: Invitae Variant Classification Sherloc (09022015). Collection method: clinical testing. Allele origin: germline.

Athena Diagnostics
Classification: Benign. Last evaluated: 2024-01-10. Review status: criteria provided, single submitter. Criteria: Athena Diagnostics Criteria. Collection method: clinical testing. Allele origin: unknown.

ARUP Laboratories, Molecular Genetics and Genomics, ARUP Laboratories
Classification: Benign for Autosomal recessive ataxia due to ubiquinone deficiency. Last evaluated: 2023-11-09. Review status: criteria provided, single submitter. Criteria: ARUP Molecular Germline Variant Investigation Process 2024. Collection method: clinical testing. Allele origin: germline.

Fulgent Genetics
Classification: Likely benign for Autosomal recessive ataxia due to ubiquinone deficiency. Last evaluated: 2021-09-21. Review status: criteria provided, single submitter. Criteria: ACMG Guidelines, 2015. Collection method: clinical testing. Allele origin: unknown.

Illumina Laboratory Services, Illumina
Classification: Benign for Autosomal recessive ataxia due to ubiquinone deficiency. Last evaluated: 2018-01-13. Review status: criteria provided, single submitter. Criteria: ICSL Variant Classification Criteria 13 December 2019. Collection method: clinical testing. Allele origin: germline.
Comment: This variant was observed in the ICSL laboratory as part of a predisposition screen in an ostensibly healthy population. It had not been previously curated by ICSL or reported in the Human Gene Mutation Database (HGMD: prior to June 1st, 2018), and was therefore a candidate for classification through an automated scoring system. Utilizing variant allele frequency, disease prevalence and penetrance estimates, and inheritance mode, an automated score was calculated to assess if this variant is too frequent to cause the disease. Based on the score and internal cut-off values, a variant classified as benign is not then subjected to further curation. The score for this variant resulted in a classification of benign for this disease.

Clinical Genetics DNA and cytogenetics Diagnostics Lab, Erasmus MC, Erasmus Medical Center
Classification: Likely benign for Autosomal recessive ataxia due to ubiquinone deficiency. Last evaluated: 2015-09-21. Review status: criteria provided, single submitter. Criteria: ACGS Guidelines, 2013. Collection method: clinical testing. Allele origin: germline. Affected: yes. Study: VKGL Data-share Consensus.

GeneDx
Classification: Benign. Last evaluated: 2014-01-25. Review status: criteria provided, single submitter. Criteria: GeneDx Variant Classification (06012015). Collection method: clinical testing. Allele origin: germline. Affected: yes.
Comment: This variant is considered likely benign or benign based on one or more of the following criteria: it is a conservative change, it occurs at a poorly conserved position in the protein, it is predicted to be benign by multiple in silico algorithms, and/or has population frequency not consistent with disease.

Breakthrough Genomics
Classification: Likely benign. Review status: criteria provided, single submitter. Criteria: ACMG Guidelines, 2015. Collection method: not provided. Allele origin: germline. Inheritance: Autosomal recessive inheritance. Affected: yes.

Mayo Clinic Laboratories, Mayo Clinic
Classification: Benign. Last evaluated: 2016-02-29. Review status: no assertion criteria provided. Collection method: clinical testing. Allele origin: unknown. Not counted in ClinVar's aggregate classification.

Clinical Genetics, Academic Medical Center
Classification: Benign. Review status: no assertion criteria provided. Collection method: clinical testing. Allele origin: germline. Affected: yes. Study: VKGL Data-share Consensus. Not counted in ClinVar's aggregate classification.

Literature cited by the submitters: PubMed 29255295 (cited by Athena Diagnostics).

NM_020247.5(COQ8A):c.1053C>T (p.Gly351=)

Gene: COQ8A (coenzyme Q8A; plus strand). Cytogenetic location: 1q42.13.
Variant type: single nucleotide variant.
Coding change: c.1053C>T on transcript NM_020247.5 (MANE Select); coding-DNA position 1053, C replaced by T.
Protein change: p.Gly351=; no amino-acid change (glycine 351 retained).
Molecular consequence: synonymous variant.
Genome position (GRCh38, 1-based): chr1:226,983,007, C>T. VCF-style: chr1-226983007-C-T. GRCh37 (hg19) VCF-style: chr1-227170708-C-T.
Other names: p.G351G:GGC>GGT.
Identifiers: ClinVar variation 136302 (VCV000136302.34), dbSNP rs55958233, ClinGen allele CA289309.
Genomic context (GRCh38, chr1:226,983,007, plus strand): 5'-CGAGGAGCGGCCCTTCGCCGCCGCATCCATTGGGCAGGTGCACTTGGCCCGAATGAAGGG[C>T]GGCCGCGAGGTGGCCATGAAGATCCAGGTAGGCGGCCTGATGCGCAGTGCCTGTCCCTAT-3'
Protein context (NP_064632.2, residues 341-361): IGQVHLARMK[Gly351=]GREVAMKIQY